The following is an entry in ClinVar:

NM_000051.4(ATM):c.2685_2699dup (p.Asp899_Met900insIleLeuPheLeuAsp)

Gene: ATM (ATM serine/threonine kinase; plus strand). Cytogenetic location: 11q22.3.
Variant type: Duplication.
Coding change: c.2685_2699dup on transcript NM_000051.4 (MANE Select); coding-DNA positions 2685 to 2699, 15 bases duplicated (ACTTTTCTTAGACAT).
Protein change: p.Asp899_Met900insIleLeuPheLeuAsp.
Molecular consequence: inframe insertion.
Genome position (GRCh38, 1-based): chr11:108,268,456-108,268,470, ACTTTTCTTAGACAT duplicated; duplicating any 15 consecutive bases within chr11:108,268,455-108,268,470 gives the same sequence; the c. name uses the placement nearest the transcript's 3' end. VCF-style (leftmost placement, unchanged base first): chr11-108268454-C-CTACTTTTCTTAGACA. GRCh37 (hg19) VCF-style: chr11-108139181-C-CTACTTTTCTTAGACA.
Other names: c.2685_2699dup, p.Asp899_Met900insIleLeuPheLeuAsp (NM_001351834.2).
Identifiers: ClinVar variation 2729933 (VCV002729933.3), dbSNP rs2497632008, ClinGen allele CA2697558906.

ClinVar aggregate classification (germline): Uncertain significance (1 of 4 stars; one submission).

Conditions:
Ataxia-telangiectasia syndrome (AT). Also called: Cerebello-oculocutaneous telangiectasia; Immunodeficiency with ataxia telangiectasia; Ataxia-telangiectasia, complementation group E; Ataxia-telangiectasia, complementation group D; AT, COMPLEMENTATION GROUP C; ATAXIA-TELANGIECTASIA, COMPLEMENTATION GROUP A. Identifiers: Orphanet 100, MedGen C0004135, MONDO:0008840, OMIM 208900.

Submission:

Labcorp Genetics (formerly Invitae), Labcorp
Classification: Uncertain significance for Ataxia-telangiectasia syndrome. Last evaluated: 2023-06-27. Review status: criteria provided, single submitter. Criteria: Invitae Variant Classification Sherloc (09022015). Collection method: clinical testing. Allele origin: germline.
Comment: In summary, the available evidence is currently insufficient to determine the role of this variant in disease. Therefore, it has been classified as a Variant of Uncertain Significance. Algorithms developed to predict the effect of sequence changes on RNA splicing suggest that this variant may create or strengthen a splice site. This variant has not been reported in the literature in individuals affected with ATM-related conditions. This variant is not present in population databases (gnomAD no frequency). This variant, c.2685_2699dup, results in the insertion of 5 amino acid(s) of the ATM protein (p.Asp899_Met900insIleLeuPheLeuAsp), but otherwise preserves the integrity of the reading frame.